The following is an entry in ClinVar:

NM_018699.4(PRDM5):c.1114G>A (p.Glu372Lys)

Gene: PRDM5 (PR/SET domain 5; minus strand). Cytogenetic location: 4q27.
Variant type: single nucleotide variant.
Coding change: c.1114G>A on transcript NM_018699.4 (MANE Select); coding-DNA position 1114, G replaced by A.
Protein change: p.Glu372Lys; replaces glutamic acid 372 with lysine.
Molecular consequence: missense variant.
Genome position (GRCh38, 1-based): chr4:120,798,341, C>T on the plus strand (G>A on the coding strand, the complement: PRDM5 is on the minus strand). VCF-style: chr4-120798341-C-T. GRCh37 (hg19) VCF-style: chr4-121719496-C-T.
Other names: p.Glu372Lys; c.1021G>A, p.Glu341Lys (NM_001300823.2, NM_001300824.2, NM_001379106.1); c.1147G>A, p.Glu383Lys (NM_001379104.1); short protein forms E341K, E372K, E383K.
Identifiers: ClinVar variation 1506459 (VCV001506459.21), dbSNP rs369580755, ClinGen allele CA3061149.

ClinVar aggregate classification (germline): Conflicting classifications of pathogenicity. Review status: criteria provided, conflicting classifications (1 of 4 stars). 8 submissions from 8 submitters: Uncertain significance (6); Likely benign (1). 1 of the submissions does not count toward it. Last evaluated 2026-04-29.

Conditions:
PRDM5-related disorder. Also called: PRDM5-related condition.
Ehlers-Danlos syndrome (EDS). Identifiers: Orphanet 98249, MedGen C0013720, MONDO:0020066.
Cardiovascular phenotype. Identifiers: MedGen CN230736.

Allele frequency attached by ClinVar (database versions not stated): ExAC 0.00005; ESP Exome Variant Server 0.00008; gnomAD 0.00014.
gnomAD v4.1: 436 of 1,612,974 alleles (0.027%); highest among the groups gnomAD compares: Non-Finnish European, 0.036%; no homozygotes.

Submissions (8):

Women's Health and Genetics/Laboratory Corporation of America, LabCorp
Classification: Uncertain significance. Last evaluated: 2026-04-29. Review status: criteria provided, single submitter. Criteria: LabCorp Variant Classification Summary - May 2015. Collection method: clinical testing. Allele origin: germline.
Comment: Variant summary: PRDM5 c.1114G>A (p.Glu372Lys) results in a conservative amino acid change in the encoded protein sequence. Algorithms developed to predict the effect of missense changes on protein structure and function are either unavailable or do not agree on the potential impact of this missense change. The variant allele was found at a frequency of 0.0001 in 250962 control chromosomes. This frequency is not significantly higher than estimated for disease-causing variants in PRDM5, allowing no conclusion about variant significance. To our knowledge, no occurrence of c.1114G>A in individuals affected with PRDM5-related conditions and no experimental evidence demonstrating its impact on protein function have been reported. ClinVar contains an entry for this variant (Variation ID: 1506459). Based on the evidence outlined above, the variant was classified as uncertain significance.

CeGaT Center for Human Genetics Tuebingen
Classification: Uncertain significance. Last evaluated: 2026-01-01. Review status: criteria provided, single submitter. Criteria: CeGaT Center For Human Genetics Tuebingen Variant Classification Criteria Version 2. Collection method: clinical testing. Allele origin: germline. Affected: yes. Observed: 1 variant allele.

Mayo Clinic Laboratories, Mayo Clinic
Classification: Uncertain significance. Last evaluated: 2025-09-08. Review status: criteria provided, single submitter. Criteria: ACMG Guidelines, 2015. Collection method: clinical testing. Allele origin: germline. Observed: 6 variant alleles.
Comment: BS1

Ambry Genetics
Classification: Likely benign for Cardiovascular phenotype. Last evaluated: 2024-11-25. Review status: criteria provided, single submitter. Criteria: Ambry Variant Classification Scheme 2023. Collection method: clinical testing. Allele origin: germline.

GeneDx
Classification: Uncertain significance. Last evaluated: 2023-01-08. Review status: criteria provided, single submitter. Criteria: GeneDx Variant Classification Process June 2021. Collection method: clinical testing. Allele origin: germline. Affected: yes.
Comment: Has not been previously published as pathogenic or benign to our knowledge; In silico analysis supports that this missense variant does not alter protein structure/function

Labcorp Genetics (formerly Invitae), Labcorp
Classification: Uncertain significance. Last evaluated: 2022-08-21. Review status: criteria provided, single submitter. Criteria: Invitae Variant Classification Sherloc (09022015). Collection method: clinical testing. Allele origin: germline.
Comment: This sequence change replaces glutamic acid, which is acidic and polar, with lysine, which is basic and polar, at codon 372 of the PRDM5 protein (p.Glu372Lys). This variant is present in population databases (rs369580755, gnomAD 0.02%). This variant has not been reported in the literature in individuals affected with PRDM5-related conditions. ClinVar contains an entry for this variant (Variation ID: 1506459). Algorithms developed to predict the effect of missense changes on protein structure and function are either unavailable or do not agree on the potential impact of this missense change (SIFT: "Deleterious"; PolyPhen-2: "Possibly Damaging"; Align-GVGD: "Class C15"). In summary, the available evidence is currently insufficient to determine the role of this variant in disease. Therefore, it has been classified as a Variant of Uncertain Significance.

Genome Diagnostics Laboratory, The Hospital for Sick Children
Classification: Uncertain significance for Ehlers-Danlos syndrome. Last evaluated: 2021-03-19. Review status: criteria provided, single submitter. Criteria: ACMG Guidelines, 2015. Collection method: clinical testing. Allele origin: germline.

PreventionGenetics, part of Exact Sciences
Classification: Uncertain significance for PRDM5-related condition. Last evaluated: 2024-04-08. Review status: no assertion criteria provided. Collection method: clinical testing. Allele origin: germline. Not counted in ClinVar's aggregate classification.
Comment: The PRDM5 c.1114G>A variant is predicted to result in the amino acid substitution p.Glu372Lys. To our knowledge, this variant has not been reported in the literature. This variant is reported in 0.019% of alleles in individuals of European (Non-Finnish) descent in gnomAD. At this time, the clinical significance of this variant is uncertain due to the absence of conclusive functional and genetic evidence.